The following is an entry in ClinVar:

ClinVar aggregate classification (germline): Pathogenic (1 of 4 stars; one submission).

Conditions:
Charcot-Marie-Tooth Neuropathy X. Identifiers: MedGen CN118851.

Submission:

Labcorp Genetics (formerly Invitae), Labcorp
Classification: Pathogenic for Charcot-Marie-Tooth Neuropathy X. Last evaluated: 2025-07-16. Review status: criteria provided, single submitter. Criteria: Invitae Variant Classification Sherloc (09022015). Collection method: clinical testing. Allele origin: germline.
Comment: This variant, c.22_42del, results in the deletion of 7 amino acid(s) of the GJB1 protein (p.Thr8_Asn14del), but otherwise preserves the integrity of the reading frame. This variant is not present in population databases (gnomAD no frequency). This variant has not been reported in the literature in individuals affected with GJB1-related conditions. This variant disrupts a region of the GJB1 protein in which other variant(s) (p.Gly12Asp) have been determined to be pathogenic (internal data). This suggests that this is a clinically significant region of the protein, and that variants that disrupt it are likely to be disease-causing. For these reasons, this variant has been classified as Pathogenic.

NM_000166.6(GJB1):c.22_42del (p.Thr8_Asn14del)

Gene: GJB1 (gap junction protein beta 1; plus strand). Cytogenetic location: Xq13.1.
Variant type: Deletion.
Coding change: c.22_42del on transcript NM_000166.6 (MANE Select); coding-DNA positions 22 to 42, 21 bases deleted (ACCTTGCTCAGTGGCGTGAAC).
Protein change: p.Thr8_Asn14del.
Molecular consequence: inframe deletion.
Genome position (GRCh38, 1-based): chrX:71,223,729-71,223,749, ACCTTGCTCAGTGGCGTGAAC deleted; deleting any 21 consecutive bases within chrX:71,223,727-71,223,749 gives the same sequence; the c. name uses the placement nearest the transcript's 3' end. VCF-style (leftmost placement, unchanged base first): chrX-71223726-TACACCTTGCTCAGTGGCGTGA-T. GRCh37 (hg19) VCF-style: chrX-70443576-TACACCTTGCTCAGTGGCGTGA-T.
Other names: c.22_42del, p.Thr8_Asn14del (NM_001097642.3, NM_001440770.1).
Identifiers: ClinVar variation 4723338 (VCV004723338.1).